The following is an entry in ClinVar:

ClinVar aggregate classification (germline): Uncertain significance (1 of 4 stars; one submission).

Conditions:
Leber congenital amaurosis 12 (LCA12). Identifiers: Orphanet 65, MedGen C1857743, MONDO:0012525, OMIM 610612.

Allele frequency attached by ClinVar (database versions not stated): gnomAD 0.00001; gnomAD exomes 0.00001.
gnomAD v4.1: 11 of 1,614,160 alleles (0.00068%); highest among the groups gnomAD compares: African/African-American, 0.0013%; no homozygotes.

Submission:

Labcorp Genetics (formerly Invitae), Labcorp
Classification: Uncertain significance for Leber congenital amaurosis 12. Last evaluated: 2022-03-22. Review status: criteria provided, single submitter. Criteria: Invitae Variant Classification Sherloc (09022015). Collection method: clinical testing. Allele origin: germline.
Comment: This variant has not been reported in the literature in individuals affected with RD3-related conditions. In summary, the available evidence is currently insufficient to determine the role of this variant in disease. Therefore, it has been classified as a Variant of Uncertain Significance. Algorithms developed to predict the effect of missense changes on protein structure and function output the following: SIFT: "Tolerated"; PolyPhen-2: "Benign"; Align-GVGD: "Class C0". The isoleucine amino acid residue is found in multiple mammalian species, which suggests that this missense change does not adversely affect protein function. This variant is present in population databases (no rsID available, gnomAD 0.007%). This sequence change replaces methionine, which is neutral and non-polar, with isoleucine, which is neutral and non-polar, at codon 37 of the RD3 protein (p.Met37Ile).

NM_001164688.2(RD3):c.111G>A (p.Met37Ile)

Gene: RD3 (RD3 regulator of GUCY2D; minus strand). Cytogenetic location: 1q32.3.
Variant type: single nucleotide variant.
Coding change: c.111G>A on transcript NM_001164688.2 (MANE Select); coding-DNA position 111, G replaced by A.
Protein change: p.Met37Ile; replaces methionine 37 with isoleucine.
Molecular consequence: missense variant.
Genome position (GRCh38, 1-based): chr1:211,481,305, C>T on the plus strand (G>A on the coding strand, the complement: RD3 is on the minus strand). VCF-style: chr1-211481305-C-T. GRCh37 (hg19) VCF-style: chr1-211654647-C-T.
Other names: c.111G>A, p.Met37Ile (NM_183059.3); short protein forms M37I.
Identifiers: ClinVar variation 1927548 (VCV001927548.5), dbSNP rs1220506481, ClinGen allele CA344879533.
Genomic context (GRCh38, chr1:211,481,305, plus strand): 5'-ACCGGTGCAGACCTTTCTGACCGCATTGCTGCGCTCCCGCTGCTGCCTCTCAGCCTCTCG[C>T]ATCTGCCCCGTCAGCTCCATCATAAGCGTCTCCAGCACCATCTCAGCAGGGCTCCTGGTG-3'
Protein context (NP_001158160.1, residues 27-47): ETLMMELTGQ[Met37Ile]REAERQQRER